The following is an entry in ClinVar:

ClinVar aggregate classification (germline): Uncertain significance. Review status: criteria provided, multiple submitters, no conflicts (2 of 4 stars). 3 submissions from 3 submitters: Uncertain significance (3). Last evaluated 2024-09-04.

Conditions:
Hereditary cancer-predisposing syndrome. Also called: Hereditary Cancer Syndrome; Tumor predisposition; Hereditary neoplastic syndrome; Neoplastic Syndromes, Hereditary. Identifiers: Orphanet 140162, MedGen C0027672, MeSH D009386, MONDO:0015356.
Familial cancer of breast. Also called: BREAST CANCER, FAMILIAL; Hereditary breast cancer; hereditary breast carcinoma. Identifiers: Orphanet 227535, MedGen C0346153, MONDO:0016419, OMIM 114480. Disease mechanism: loss of function.

Submissions (3):

Labcorp Genetics (formerly Invitae), Labcorp
Classification: Uncertain significance for Familial cancer of breast. Last evaluated: 2024-09-04. Review status: criteria provided, single submitter. Criteria: Invitae Variant Classification Sherloc (09022015). Collection method: clinical testing. Allele origin: germline.
Comment: This sequence change replaces threonine, which is neutral and polar, with isoleucine, which is neutral and non-polar, at codon 389 of the CHEK2 protein (p.Thr389Ile). This variant is not present in population databases (gnomAD no frequency). This variant has not been reported in the literature in individuals affected with CHEK2-related conditions. ClinVar contains an entry for this variant (Variation ID: 1056503). An algorithm developed to predict the effect of missense changes on protein structure and function (PolyPhen-2) suggests that this variant is likely to be disruptive. In summary, the available evidence is currently insufficient to determine the role of this variant in disease. Therefore, it has been classified as a Variant of Uncertain Significance.

Ambry Genetics
Classification: Uncertain significance for Hereditary cancer-predisposing syndrome. Last evaluated: 2024-06-12. Review status: criteria provided, single submitter. Criteria: Ambry Variant Classification Scheme 2023. Collection method: clinical testing. Allele origin: germline.
Comment: The p.T389I variant (also known as c.1166C>T), located in coding exon 10 of the CHEK2 gene, results from a C to T substitution at nucleotide position 1166. The threonine at codon 389 is replaced by isoleucine, an amino acid with similar properties. This amino acid position is well conserved in available vertebrate species. In addition, the in silico prediction for this alteration is inconclusive. Based on the available evidence, the clinical significance of this variant remains unclear.

GeneDx
Classification: Uncertain significance. Last evaluated: 2023-03-03. Review status: criteria provided, single submitter. Criteria: GeneDx Variant Classification Process June 2021. Collection method: clinical testing. Allele origin: germline. Affected: yes.
Comment: Not observed at significant frequency in large population cohorts (gnomAD); In silico analysis supports that this missense variant has a deleterious effect on protein structure/function; Has not been previously published as pathogenic or benign to our knowledge; This variant is associated with the following publications: (PMID: 22419737, 19782031)

NM_007194.4(CHEK2):c.1166C>T (p.Thr389Ile)

Gene: CHEK2 (checkpoint kinase 2; minus strand). Cytogenetic location: 22q12.1.
Variant type: single nucleotide variant.
Coding change: c.1166C>T on transcript NM_007194.4 (MANE Select); coding-DNA position 1166, C replaced by T.
Protein change: p.Thr389Ile; replaces threonine 389 with isoleucine.
Molecular consequence: missense variant.
Genome position (GRCh38, 1-based): chr22:28,695,803, G>A on the plus strand (C>T on the coding strand, the complement: CHEK2 is on the minus strand). VCF-style: chr22-28695803-G-A. GRCh37 (hg19) VCF-style: chr22-29091791-G-A.
Other names: c.1295C>T, p.Thr432Ile (NM_001005735.3); c.503C>T, p.Thr168Ile (NM_001257387.3); c.965C>T, p.Thr322Ile (NM_001349956.3); c.1079C>T, p.Thr360Ile (NM_145862.3); short protein forms T168I, T322I, T360I, T389I, T432I.
Identifiers: ClinVar variation 1056503 (VCV001056503.13), dbSNP rs2145804544, ClinGen allele CA411096833.